The following is an entry in ClinVar:

NM_024675.4(PALB2):c.3201+115T>C

Gene: PALB2 (partner and localizer of BRCA2; minus strand). Cytogenetic location: 16p12.2.
Variant type: single nucleotide variant.
Coding change: c.3201+115T>C on transcript NM_024675.4 (MANE Select); 115 bases into the intron after coding-DNA position 3201, T replaced by C.
Molecular consequence: intron variant.
Genome position (GRCh38, 1-based): chr16:23,613,889, A>G on the plus strand (T>C on the coding strand, the complement: PALB2 is on the minus strand). VCF-style: chr16-23613889-A-G. GRCh37 (hg19) VCF-style: chr16-23625210-A-G.
Identifiers: ClinVar variation 126721 (VCV000126721.3), dbSNP rs515726110, ClinGen allele CA269606.

ClinVar aggregate classification (germline): Likely benign (0 of 4 stars; one submission).

Conditions:
Familial cancer of breast. Also called: BREAST CANCER, FAMILIAL; hereditary breast carcinoma; Hereditary breast cancer. Identifiers: Orphanet 227535, MedGen C0346153, MONDO:0016419, OMIM 114480. Disease mechanism: loss of function.

Allele frequency attached by ClinVar (database versions not stated): gnomAD exomes below 0.00001.
gnomAD v4.1: 1 of 768,742 alleles (0.00013%); highest among the groups gnomAD compares: South Asian, 0.0015%; no homozygotes.

Submission:

Leiden Open Variation Database
Classification: Likely benign for Familial cancer of breast. Last evaluated: 2019-05-13. Review status: no assertion criteria provided. Collection method: curation. Allele origin: germline. Affected: yes.
Comment: Curators: Marc Tischkowitz, Arleen D. Auerbach. Submitter to LOVD: Marc Tischkowitz.

Literature cited by the submitters: PubMed 21932393.